The following is an entry in ClinVar:

NM_001013838.3(CARMIL2):c.897C>G (p.Leu299=)

Gene: CARMIL2 (capping protein regulator and myosin 1 linker 2; plus strand). Cytogenetic location: 16q22.1.
Variant type: single nucleotide variant.
Coding change: c.897C>G on transcript NM_001013838.3 (MANE Select); coding-DNA position 897, C replaced by G.
Protein change: p.Leu299=; no amino-acid change (leucine 299 retained).
Molecular consequence: synonymous variant.
Genome position (GRCh38, 1-based): chr16:67,647,705, C>G. VCF-style: chr16-67647705-C-G. GRCh37 (hg19) VCF-style: chr16-67681608-C-G.
Other names: c.897C>G (NM_001013838.1); c.897C>G, p.Leu299= (NM_001317026.3).
Identifiers: ClinVar variation 2414225 (VCV002414225.9), dbSNP rs373520864, ClinGen allele CA8113267.

ClinVar aggregate classification (germline): Likely benign. Review status: criteria provided, single submitter (1 of 4 stars). 2 submissions from 2 submitters: Likely benign (1). 1 of the submissions does not count toward it. Last evaluated 2025-08-26.

Conditions:
CARMIL2-related disorder. Also called: CARMIL2-related condition.

Allele frequency attached by ClinVar (database versions not stated): ESP Exome Variant Server 0.00008.
gnomAD v4.1: 34 of 1,598,088 alleles (0.0021%); highest among the groups gnomAD compares: Middle Eastern, 0.05%; no homozygotes.

Submissions (2):

Labcorp Genetics (formerly Invitae), Labcorp
Classification: Likely benign. Last evaluated: 2025-08-26. Review status: criteria provided, single submitter. Criteria: Invitae Variant Classification Sherloc (09022015). Collection method: clinical testing. Allele origin: germline.

PreventionGenetics, part of Exact Sciences
Classification: Likely benign for CARMIL2-related condition. Last evaluated: 2019-11-11. Review status: no assertion criteria provided. Collection method: clinical testing. Allele origin: germline. Not counted in ClinVar's aggregate classification.
Comment: This variant is classified as likely benign based on ACMG/AMP sequence variant interpretation guidelines (Richards et al. 2015 PMID: 25741868, with internal and published modifications).